The following is an entry in ClinVar:

NC_000017.10:g.(?_4802021)_(4802196_?)del

Gene: CHRNE (cholinergic receptor nicotinic epsilon subunit; minus strand). Cytogenetic location: 17p13.2.
Variant type: Deletion.
Identifiers: ClinVar variation 1454490 (VCV001454490.6).

ClinVar aggregate classification (germline): Pathogenic (1 of 4 stars; one submission).

Conditions:
Congenital myasthenic syndrome 4A. Also called: Myasthenic syndrome, congenital, 4a, slow-channel; CONGENITAL MYASTHENIC SYNDROME TYPE Ia1; MYASTHENIC SYNDROME, CONGENITAL, 4A, SLOW-CHANNEL, AUTOSOMAL RECESSIVE. Identifiers: Orphanet 590, MedGen C4225413, MONDO:0011600, OMIM 605809.

Submission:

Labcorp Genetics (formerly Invitae), Labcorp
Classification: Pathogenic for Congenital myasthenic syndrome 4A. Last evaluated: 2022-07-12. Review status: criteria provided, single submitter. Criteria: Invitae Variant Classification Sherloc (09022015). Collection method: clinical testing. Allele origin: germline.
Comment: This variant is a gross deletion of the genomic region encompassing exon(s) 12 of the CHRNE gene, which includes the termination codon. This deletion extends beyond the assayed region for this gene and therefore may encompass additional genes. While this deletion is not anticipated to lead to nonsense mediated decay, it is expected to alter mRNA translation or result in a truncated protein product. This variant has not been reported in the literature in individuals affected with CHRNE-related conditions. This variant disrupts a region of the CHRNE protein in which other variant(s) (p.Y478*) have been determined to be pathogenic (PMID: 12417530). This suggests that this is a clinically significant region of the protein, and that variants that disrupt it are likely to be disease-causing. For these reasons, this variant has been classified as Pathogenic.

Literature cited by the submitters: PubMed 12417530.